The following is an entry in ClinVar:

ClinVar aggregate classification (germline): Conflicting classifications of pathogenicity. Review status: criteria provided, conflicting classifications (1 of 4 stars). 4 submissions from 4 submitters: Uncertain significance (2); Likely benign (1). 1 of the submissions does not count toward it. Last evaluated 2024-04-15.

Conditions:
Retinitis pigmentosa 28 (RP28). Identifiers: Orphanet 791, MedGen C1419614, MONDO:0011630, OMIM 606068.
Inborn genetic diseases. Identifiers: MedGen C0950123, MeSH D030342.

Allele frequency attached by ClinVar (database versions not stated): gnomAD 0.00014 and 0.00015; TOPMed 0.00018.
gnomAD v4.1: 356 of 1,614,022 alleles (0.022%); highest among the groups gnomAD compares: Admixed American, 0.052%; no homozygotes.

Submissions (4):

Blueprint Genetics
Classification: Likely benign. Last evaluated: 2024-04-15. Review status: criteria provided, single submitter. Criteria: ACMG Guidelines, 2015. Collection method: clinical testing. Allele origin: germline.

Labcorp Genetics (formerly Invitae), Labcorp
Classification: Uncertain significance. Last evaluated: 2022-08-15. Review status: criteria provided, single submitter. Criteria: Invitae Variant Classification Sherloc (09022015). Collection method: clinical testing. Allele origin: germline.
Comment: This sequence change replaces arginine, which is basic and polar, with glutamine, which is neutral and polar, at codon 354 of the FAM161A protein (p.Arg354Gln). This variant is present in population databases (rs369115510, gnomAD 0.05%). This variant has not been reported in the literature in individuals affected with FAM161A-related conditions. ClinVar contains an entry for this variant (Variation ID: 856314). Algorithms developed to predict the effect of missense changes on protein structure and function output the following: SIFT: "Tolerated"; PolyPhen-2: "Benign"; Align-GVGD: "Class C0". The glutamine amino acid residue is found in multiple mammalian species, which suggests that this missense change does not adversely affect protein function. In summary, the available evidence is currently insufficient to determine the role of this variant in disease. Therefore, it has been classified as a Variant of Uncertain Significance.

Ambry Genetics
Classification: Uncertain significance for Inborn genetic diseases. Last evaluated: 2022-04-12. Review status: criteria provided, single submitter. Criteria: Ambry Variant Classification Scheme 2023. Collection method: clinical testing. Allele origin: germline.

Natera, Inc.
Classification: Uncertain significance for Retinitis pigmentosa type 28. Last evaluated: 2020-02-26. Review status: no assertion criteria provided. Collection method: clinical testing. Allele origin: germline. Not counted in ClinVar's aggregate classification.

NM_001201543.2(FAM161A):c.1061G>A (p.Arg354Gln)

Gene: FAM161A (FAM161 centrosomal protein A; minus strand). Cytogenetic location: 2p15.
Variant type: single nucleotide variant.
Coding change: c.1061G>A on transcript NM_001201543.2 (MANE Select); coding-DNA position 1061, G replaced by A.
Protein change: p.Arg354Gln; replaces arginine 354 with glutamine.
Molecular consequence: missense variant. On other transcripts: non-coding transcript variant (1).
Genome position (GRCh38, 1-based): chr2:61,839,943, C>T on the plus strand (G>A on the coding strand, the complement: FAM161A is on the minus strand). VCF-style: chr2-61839943-C-T. GRCh37 (hg19) VCF-style: chr2-62067078-C-T.
Other names: c.1061G>A, p.Arg354Gln (NM_032180.3); short protein forms R354Q.
Identifiers: ClinVar variation 856314 (VCV000856314.5), dbSNP rs369115510, ClinGen allele CA1679221.
Genomic context (GRCh38, chr2:61,839,943, plus strand): 5'-TTTAACTTGTCATTGGTAGTTGAACCATAAGTAGATCGAGGAATGGGTCTGGCTTTAAAT[C>T]GATTTGTTTTCTTTTTATACTTAAGAAAGTCTCTCAGCTGCTTTTCCCGGGCTGCTCGCT-3'
Protein context (NP_001188472.1, residues 344-364): DFLKYKKKTN[Arg354Gln]FKARPIPRST